The following is an entry in ClinVar:

ClinVar aggregate classification (germline): Uncertain significance (1 of 4 stars; one submission).

Submission:

Ambry Genetics
Classification: Uncertain significance. Last evaluated: 2024-10-03. Review status: criteria provided, single submitter. Criteria: Ambry Variant Classification Scheme 2023. Collection method: clinical testing. Allele origin: germline.
Comment: The c.4174delG variant, located in coding exon 38 of the KIF1B gene, results from a deletion of one nucleotide at nucleotide position 4174, causing a translational frameshift with a predicted alternate stop codon (p.V1392Sfs*28). This alteration is expected to result in loss of function by premature protein truncation or nonsense-mediated mRNA decay. The evidence for this gene-disease relationship is limited; therefore, the clinical significance of this alteration is unclear.

NM_001365951.3(KIF1B):c.4312del (p.Val1438fs)

Gene: KIF1B (kinesin family member 1B; plus strand). Cytogenetic location: 1p36.22.
Variant type: Deletion.
Coding change: c.4312del on transcript NM_001365951.3 (MANE Select); coding-DNA position 4312, one base deleted (G; older notation c.4312delG).
Protein change: p.Val1438fs; shifts the reading frame from valine 1438.
Molecular consequence: frameshift variant.
Genome position (GRCh38, 1-based): chr1:10,363,290, G deleted. VCF-style (leftmost placement, unchanged base first): chr1-10363289-AG-A. GRCh37 (hg19) VCF-style: chr1-10423347-AG-A.
Other names: c.4312del, p.Val1438fs (NM_001365952.1); c.4174del, p.Val1392fs (NM_015074.3); c.4174delG (NM_015074.3); short protein forms V1392fs, V1438fs.
Identifiers: ClinVar variation 3534033 (VCV003534033.1).